The following is an entry in ClinVar:

ClinVar aggregate classification (germline): Uncertain significance (0 of 4 stars; one submission).

Conditions:
SEMA3B-related disorder. Also called: SEMA3B-related condition.

Submission:

PreventionGenetics, part of Exact Sciences
Classification: Uncertain significance for SEMA3B-related condition. Last evaluated: 2024-01-30. Review status: no assertion criteria provided. Collection method: clinical testing. Allele origin: germline.
Comment: The SEMA3B c.2246G>A variant is predicted to result in the amino acid substitution p.Arg749His. To our knowledge, this variant has not been reported in the literature or in a large population database, indicating this variant is rare. At this time, the clinical significance of this variant is uncertain due to the absence of conclusive functional and genetic evidence.

NM_001290060.2(SEMA3B):c.2231G>A (p.Arg744His)

Gene: SEMA3B (semaphorin 3B; plus strand). Cytogenetic location: 3p21.31.
Variant type: single nucleotide variant.
Coding change: c.2231G>A on transcript NM_001290060.2 (MANE Select); coding-DNA position 2231, G replaced by A.
Protein change: p.Arg744His; replaces arginine 744 with histidine.
Molecular consequence: missense variant. On other transcripts: non-coding transcript variant (1).
Genome position (GRCh38, 1-based): chr3:50,276,687, G>A. VCF-style: chr3-50276687-G-A. GRCh37 (hg19) VCF-style: chr3-50314118-G-A.
Other names: c.2228G>A, p.Arg743His (NM_001005914.3); c.2246G>A, p.Arg749His (NM_001290061.1); c.1202G>A, p.Arg401His (NM_001290062.2, NM_001290063.2); c.2231G>A, p.Arg744His (NM_004636.4); short protein forms R401H, R743H, R744H, R749H.
Identifiers: ClinVar variation 3350219 (VCV003350219.1).